The following is an entry in ClinVar:

ClinVar aggregate classification (germline): Likely pathogenic (0 of 4 stars; one submission).

Conditions:
Congenital secretory diarrhea, chloride type (DIAR1). Also called: DIARRHEA 1, SECRETORY CHLORIDE, CONGENITAL; CHLORIDORRHEA, CONGENITAL; CHLORIDE DIARRHEA, CONGENITAL, FINNISH TYPE. Identifiers: Orphanet 53689, MedGen C0267662, MONDO:0008964, OMIM 214700.

Submission:

Juha Muilu Group; Institute for Molecular Medicine Finland (FIMM)
Classification: Likely pathogenic for Congenital secretory diarrhea, chloride type. Review status: no assertion criteria provided. Collection method: not provided. Allele origin: unknown.
Comment: FinDis database variant: This variant was not found or characterized by our laboratory, data were collected from public sources: see reference
ClinVar note: Converted during submission from probable-pathogenic to Likely pathogenic.

NM_000111.3(SLC26A3):c.1517del (p.Pro506fs)

Gene: SLC26A3 (solute carrier family 26 member 3; minus strand). Cytogenetic location: 7q22.3.
Variant type: Deletion.
Coding change: c.1517del on transcript NM_000111.3 (MANE Select); coding-DNA position 1517, one base deleted (C; older notation c.1517delC).
Protein change: p.Pro506fs; shifts the reading frame from proline 506.
Molecular consequence: frameshift variant.
Genome position (GRCh38, 1-based): chr7:107,776,704, G deleted on the plus strand (C on the coding strand, the reverse complement: SLC26A3 is on the minus strand); the first of 2 consecutive G bases (chr7:107,776,704-107,776,705); deleting either gives the same sequence. VCF-style (leftmost placement, unchanged base first): chr7-107776703-TG-T. GRCh37 (hg19) VCF-style: chr7-107417148-TG-T.
Other names: c.1517delC (NM_000111.2); short protein forms P506fs.
Identifiers: ClinVar variation 55977 (VCV000055977.2), dbSNP rs386833459, ClinGen allele CA144062.